The following is an entry in ClinVar:

NM_003060.4(SLC22A5):c.1446C>G (p.Tyr482Ter)

Gene: SLC22A5 (solute carrier family 22 member 5; plus strand). Cytogenetic location: 5q31.1.
Variant type: single nucleotide variant.
Coding change: c.1446C>G on transcript NM_003060.4 (MANE Select); coding-DNA position 1446, C replaced by G.
Protein change: p.Tyr482Ter; replaces tyrosine 482 with a stop codon.
Molecular consequence: nonsense.
Genome position (GRCh38, 1-based): chr5:132,392,611, C>G. VCF-style: chr5-132392611-C-G. GRCh37 (hg19) VCF-style: chr5-131728303-C-G.
Other names: c.1518C>G, p.Tyr506Ter (NM_001308122.2); short protein forms Y506*, Y482*.
Identifiers: ClinVar variation 1419604 (VCV001419604.6), dbSNP rs569268772, ClinGen allele CA360809395.

ClinVar aggregate classification (germline): Pathogenic (1 of 4 stars; one submission).

Conditions:
Renal carnitine transport defect (CDSP). Also called: Systemic primary carnitine deficiency; Primary carnitine deficiency; CARNITINE DEFICIENCY, SYSTEMIC, DUE TO DEFECT IN RENAL REABSORPTION OF CARNITINE; CARNITINE TRANSPORTER, PLASMA-MEMBRANE, DEFICIENCY OF; CARNITINE UPTAKE DEFECT; Carnitine transporter deficiency. Identifiers: Orphanet 158, MedGen C0342788, MONDO:0008919, OMIM 212140.

Submission:

Labcorp Genetics (formerly Invitae), Labcorp
Classification: Pathogenic for Renal carnitine transport defect. Last evaluated: 2021-11-12. Review status: criteria provided, single submitter. Criteria: Invitae Variant Classification Sherloc (09022015). Collection method: clinical testing. Allele origin: germline.
Comment: This variant has not been reported in the literature in individuals affected with SLC22A5-related conditions. For these reasons, this variant has been classified as Pathogenic. Algorithms developed to predict the effect of sequence changes on RNA splicing suggest that this variant may create or strengthen a splice site. This variant is not present in population databases (gnomAD no frequency). This sequence change creates a premature translational stop signal (p.Tyr482*) in the SLC22A5 gene. It is expected to result in an absent or disrupted protein product. Loss-of-function variants in SLC22A5 are known to be pathogenic (PMID: 9916797).

Literature cited by the submitters: PubMed 9916797.